The following is an entry in ClinVar:

ClinVar aggregate classification (germline): Uncertain significance. Review status: criteria provided, multiple submitters, no conflicts (2 of 4 stars). 2 submissions from 2 submitters: Uncertain significance (2). Last evaluated 2025-12-30.

Conditions:
Hereditary cancer-predisposing syndrome. Also called: Hereditary Cancer Syndrome; Neoplastic Syndromes, Hereditary; Tumor predisposition; Hereditary neoplastic syndrome. Identifiers: Orphanet 140162, MedGen C0027672, MeSH D009386, MONDO:0015356.

Submissions (2):

Ambry Genetics
Classification: Uncertain significance for Hereditary cancer-predisposing syndrome. Last evaluated: 2025-12-30. Review status: criteria provided, single submitter. Criteria: Ambry Variant Classification Scheme 2023. Collection method: clinical testing. Allele origin: germline.
Comment: The c.2775_2776delAGinsCC variant, located in coding exon 24 of the POLE gene, results from an in-frame deletion of AG and insertion of CC at nucleotide positions 2775 to 2776. This results in the substitution of the glutamic acid residue for a glutamine residue at codon 926, an amino acid with highly similar properties. This amino acid position is highly conserved in available vertebrate species. Based on the available evidence, the clinical significance of this variant remains unclear.

Labcorp Genetics (formerly Invitae), Labcorp
Classification: Uncertain significance. Last evaluated: 2024-10-06. Review status: criteria provided, single submitter. Criteria: Invitae Variant Classification Sherloc (09022015). Collection method: clinical testing. Allele origin: germline.
Comment: This sequence change replaces glutamic acid, which is acidic and polar, with glutamine, which is neutral and polar, at codon 926 of the POLE protein (p.Glu926Gln). Information on the frequency of this variant in the gnomAD database is not available, as this variant may be reported differently in the database. This variant has not been reported in the literature in individuals affected with POLE-related conditions. Experimental studies and prediction algorithms are not available or were not evaluated, and the functional significance of this variant is currently unknown. In summary, the available evidence is currently insufficient to determine the role of this variant in disease. Therefore, it has been classified as a Variant of Uncertain Significance.

NM_006231.4(POLE):c.2775_2776delinsCC (p.Glu926Gln)

Gene: POLE (DNA polymerase epsilon, catalytic subunit; minus strand). Cytogenetic location: 12q24.33.
Variant type: Indel.
Coding change: c.2775_2776delinsCC on transcript NM_006231.4 (MANE Select); coding-DNA positions 2775 to 2776, AG replaced by CC.
Protein change: p.Glu926Gln; replaces glutamic acid 926 with glutamine.
Molecular consequence: missense variant.
Genome position (GRCh38, 1-based): chr12:132,661,615-132,661,616, CT replaced by GG on the plus strand (AG replaced by CC on the coding strand, the reverse complement: POLE is on the minus strand). VCF-style: chr12-132661615-CT-GG. GRCh37 (hg19) VCF-style: chr12-133238201-CT-GG.
Other names: c.2775_2776delAGinsCC (NM_006231.2); short protein forms E926Q.
Identifiers: ClinVar variation 3688090 (VCV003688090.3).
Genomic context (GRCh38, chr12:132,661,615, plus strand): 5'-TGGAGGCTGGAAGAATCATGGCAAGGTAGGGCCCATCAACCTCAAAAAAGATGCTGTTCT[CT>GG]GAGCGGGTGACGTAGGTGAGTGAGGACGGCTCAGCCAGCTCCTGGTACTGGTCATTGGTG-3'
Protein context (NP_006222.2, residues 916-936): PSSLTYVTRS[Glu926Gln]NSIFFEVDGP